The following is an entry in ClinVar:

NM_001482.3(GATM):c.401T>G (p.Leu134Ter)

Gene: GATM (glycine amidinotransferase; minus strand). Cytogenetic location: 15q21.1.
Variant type: single nucleotide variant.
Coding change: c.401T>G on transcript NM_001482.3 (MANE Select); coding-DNA position 401, T replaced by G.
Protein change: p.Leu134Ter; replaces leucine 134 with a stop codon.
Molecular consequence: nonsense.
Genome position (GRCh38, 1-based): chr15:45,369,409, A>C on the plus strand (T>G on the coding strand, the complement: GATM is on the minus strand). VCF-style: chr15-45369409-A-C. GRCh37 (hg19) VCF-style: chr15-45661607-A-C.
Other names: c.14T>G, p.Leu5Ter (NM_001321015.2); short protein forms L5*, L134*.
Identifiers: ClinVar variation 1456298 (VCV001456298.6), dbSNP rs2140646735, ClinGen allele CA392261759.
Genomic context (GRCh38, chr15:45,369,409, plus strand): 5'-TTATACTTCAATGACCAGTCAATGGGGTCAGGCCTCCTTACTGTCACTCCTTCCGTTTTT[A>C]AAATATTGCACATTTCTTCAATTTCAGCAACAGCCTTTTTCAAATGATCTTTGGGAAAAT-3'

ClinVar aggregate classification (germline): Pathogenic (1 of 4 stars; one submission).

Conditions:
Arginine:glycine amidinotransferase deficiency (CCDS3). Also called: AGAT deficiency; L-Arginine:Glycine Amidinotransferase Deficiency; Creatine deficiency syndrome due to AGAT deficiency; GATM deficiency; L-Arginine:Glycine Amidinotransferase (AGAT) Deficiency; Cerebral creatine deficiency syndrome 3. Identifiers: Orphanet 35704, MedGen C2675179, MONDO:0012996, OMIM 612718.

Submission:

Labcorp Genetics (formerly Invitae), Labcorp
Classification: Pathogenic for Arginine:glycine amidinotransferase deficiency. Last evaluated: 2022-01-14. Review status: criteria provided, single submitter. Criteria: Invitae Variant Classification Sherloc (09022015). Collection method: clinical testing. Allele origin: germline.
Comment: This sequence change creates a premature translational stop signal (p.Leu134*) in the GATM gene. It is expected to result in an absent or disrupted protein product. Loss-of-function variants in GATM are known to be pathogenic (PMID: 11555793). This variant is not present in population databases (gnomAD no frequency). This variant has not been reported in the literature in individuals affected with GATM-related conditions. For these reasons, this variant has been classified as Pathogenic.

Literature cited by the submitters: PubMed 11555793.